The following is an entry in ClinVar:

ClinVar aggregate classification (germline): Conflicting classifications of pathogenicity. Review status: criteria provided, conflicting classifications (1 of 4 stars). 2 submissions from 2 submitters: Uncertain significance (1); Likely benign (1). Last evaluated 2022-01-06.

Conditions:
Hereditary cancer-predisposing syndrome. Also called: Neoplastic Syndromes, Hereditary; Tumor predisposition; Hereditary Cancer Syndrome; Hereditary neoplastic syndrome. Identifiers: Orphanet 140162, MedGen C0027672, MeSH D009386, MONDO:0015356.

gnomAD v4.1: 5 of 1,613,842 alleles (0.00031%); highest among the groups gnomAD compares: Non-Finnish European, 0.00042%; no homozygotes.

Submissions (2):

Labcorp Genetics (formerly Invitae), Labcorp
Classification: Uncertain significance for Hereditary cancer-predisposing syndrome. Last evaluated: 2022-01-06. Review status: criteria provided, single submitter. Criteria: Invitae Variant Classification Sherloc (09022015). Collection method: clinical testing. Allele origin: germline.
Comment: Algorithms developed to predict the effect of missense changes on protein structure and function output the following: SIFT: "Tolerated"; PolyPhen-2: "Benign"; Align-GVGD: "Class C0". The arginine amino acid residue is found in multiple mammalian species, which suggests that this missense change does not adversely affect protein function. In summary, the available evidence is currently insufficient to determine the role of this variant in disease. Therefore, it has been classified as a Variant of Uncertain Significance. ClinVar contains an entry for this variant (Variation ID: 232637). This variant has not been reported in the literature in individuals affected with RAD50-related conditions. This variant is not present in population databases (gnomAD no frequency). This sequence change replaces glycine, which is neutral and non-polar, with arginine, which is basic and polar, at codon 406 of the RAD50 protein (p.Gly406Arg).

Ambry Genetics
Classification: Likely benign for Hereditary cancer-predisposing syndrome. Last evaluated: 2019-04-19. Review status: criteria provided, single submitter. Criteria: Ambry Variant Classification Scheme 2023. Collection method: clinical testing. Allele origin: germline.

NM_005732.4(RAD50):c.1216G>C (p.Gly406Arg)

Gene: RAD50 (RAD50 double strand break repair protein; plus strand). Cytogenetic location: 5q31.1.
Variant type: single nucleotide variant.
Coding change: c.1216G>C on transcript NM_005732.4 (MANE Select); coding-DNA position 1216, G replaced by C.
Protein change: p.Gly406Arg; replaces glycine 406 with arginine.
Molecular consequence: missense variant.
Genome position (GRCh38, 1-based): chr5:132,588,851, G>C. VCF-style: chr5-132588851-G-C. GRCh37 (hg19) VCF-style: chr5-131924543-G-C.
Other names: short protein forms G406R.
Identifiers: ClinVar variation 232637 (VCV000232637.14), dbSNP rs747951988, ClinGen allele CA10578521.